The following is an entry in ClinVar:

NM_001256545.2(MEGF10):c.480C>A (p.Cys160Ter)

Gene: MEGF10 (multiple EGF like domains 10; plus strand). Cytogenetic location: 5q23.2.
Variant type: single nucleotide variant.
Coding change: c.480C>A on transcript NM_001256545.2 (MANE Select); coding-DNA position 480, C replaced by A.
Protein change: p.Cys160Ter; replaces cysteine 160 with a stop codon.
Molecular consequence: nonsense.
Genome position (GRCh38, 1-based): chr5:127,396,599, C>A. VCF-style: chr5-127396599-C-A. GRCh37 (hg19) VCF-style: chr5-126732291-C-A.
Other names: c.480C>A, p.Cys160Ter (NM_001308119.2, NM_001308121.2, NM_032446.3); short protein forms C160*.
Identifiers: ClinVar variation 1906386 (VCV001906386.5), dbSNP rs1215256187, ClinGen allele CA360718201.

ClinVar aggregate classification (germline): Pathogenic (1 of 4 stars; one submission).

Conditions:
MEGF10-related myopathy (CMYO10A). Also called: Congenital myopathy 10A, severe variant. Identifiers: Orphanet 439212, MedGen C3280679, MONDO:0013731, OMIM 614399.

gnomAD v4.1: 9 of 1,611,776 alleles (0.00056%); highest among the groups gnomAD compares: Non-Finnish European, 0.00076%; no homozygotes.

Submission:

Labcorp Genetics (formerly Invitae), Labcorp
Classification: Pathogenic for MEGF10-related myopathy. Last evaluated: 2022-08-15. Review status: criteria provided, single submitter. Criteria: Invitae Variant Classification Sherloc (09022015). Collection method: clinical testing. Allele origin: germline.
Comment: For these reasons, this variant has been classified as Pathogenic. This variant has not been reported in the literature in individuals affected with MEGF10-related conditions. This variant is not present in population databases (gnomAD no frequency). This sequence change creates a premature translational stop signal (p.Cys160*) in the MEGF10 gene. It is expected to result in an absent or disrupted protein product. Loss-of-function variants in MEGF10 are known to be pathogenic (PMID: 22101682, 22371254, 23453856, 23954233).

Literature cited by the submitters: PubMed 22101682; PubMed 22371254; PubMed 23453856; PubMed 23954233.